The following is an entry in ClinVar:

ClinVar aggregate classification (germline): Conflicting classifications of pathogenicity. Review status: criteria provided, conflicting classifications (1 of 4 stars). 4 submissions from 4 submitters: Uncertain significance (2); Likely benign (2). Last evaluated 2025-12-15.

Conditions:
Basal cell carcinoma, susceptibility to, 1. Also called: BCC1. Identifiers: MedGen C2751544, MONDO:0011556, OMIM 605462.
Gorlin syndrome. Also called: Basal cell nevus syndrome; Nevoid Basal Cell Carcinoma Syndrome. Identifiers: Orphanet 377, MedGen C0004779, MONDO:0007187.
Holoprosencephaly 7 (HPE7). Identifiers: Orphanet 2162, MedGen C1835820, MONDO:0012562, OMIM 610828.
Hereditary cancer-predisposing syndrome. Also called: Hereditary Cancer Syndrome; Neoplastic Syndromes, Hereditary; Tumor predisposition; Hereditary neoplastic syndrome. Identifiers: Orphanet 140162, MedGen C0027672, MeSH D009386, MONDO:0015356.

Allele frequency attached by ClinVar (database versions not stated): gnomAD exomes below 0.00001 and 0.00001.
gnomAD v4.1: 13 of 1,612,964 alleles (0.00081%); highest among the groups gnomAD compares: African/African-American, 0.0013%; no homozygotes.

Submissions (4):

Labcorp Genetics (formerly Invitae), Labcorp
Classification: Likely benign for Gorlin syndrome. Last evaluated: 2025-12-15. Review status: criteria provided, single submitter. Criteria: Invitae Variant Classification Sherloc (09022015). Collection method: clinical testing. Allele origin: germline.

GeneDx
Classification: Uncertain significance. Last evaluated: 2024-01-19. Review status: criteria provided, single submitter. Criteria: GeneDx Variant Classification Process June 2021. Collection method: clinical testing. Allele origin: germline. Affected: yes.
Comment: Not observed at significant frequency in large population cohorts (gnomAD); In silico analysis supports that this missense variant does not alter protein structure/function; Has not been previously published as pathogenic or benign to our knowledge

Ambry Genetics
Classification: Likely benign for Hereditary cancer-predisposing syndrome. Last evaluated: 2023-05-26. Review status: criteria provided, single submitter. Criteria: Ambry Variant Classification Scheme 2023. Collection method: clinical testing. Allele origin: germline.

Fulgent Genetics
Classification: Uncertain significance for Basal cell nevus syndrome 1; Basal cell carcinoma, susceptibility to, 1; Holoprosencephaly 7. Last evaluated: 2018-10-31. Review status: criteria provided, single submitter. Criteria: ACMG Guidelines, 2015. Collection method: clinical testing. Allele origin: unknown.

NM_000264.5(PTCH1):c.4051A>G (p.Asn1351Asp)

Gene: PTCH1 (patched 1; minus strand). Cytogenetic location: 9q22.32.
Variant type: single nucleotide variant.
Coding change: c.4051A>G on transcript NM_000264.5 (MANE Select); coding-DNA position 4051, A replaced by G.
Protein change: p.Asn1351Asp; replaces asparagine 1351 with aspartic acid.
Molecular consequence: missense variant. On other transcripts: non-coding transcript variant (1).
Genome position (GRCh38, 1-based): chr9:95,447,205, T>C on the plus strand (A>G on the coding strand, the complement: PTCH1 is on the minus strand). VCF-style: chr9-95447205-T-C. GRCh37 (hg19) VCF-style: chr9-98209487-T-C.
Other names: c.3853A>G, p.Asn1285Asp (NM_001083602.3); c.4048A>G, p.Asn1350Asp (NM_001083603.3); c.3598A>G, p.Asn1200Asp (NM_001083604.3, NM_001083605.3, NM_001083606.3 and 1 more transcripts); c.3895A>G, p.Asn1299Asp (NM_001354918.2); short protein forms N1285D, N1351D, N1299D, N1200D, N1350D.
Identifiers: ClinVar variation 188148 (VCV000188148.17), dbSNP rs786204103, ClinGen allele CA334165.